The following is an entry in ClinVar:

NM_177438.3(DICER1):c.2265G>T (p.Glu755Asp)

Gene: DICER1 (dicer 1, ribonuclease III; minus strand). Cytogenetic location: 14q32.13.
Variant type: single nucleotide variant.
Coding change: c.2265G>T on transcript NM_177438.3 (MANE Select); coding-DNA position 2265, G replaced by T.
Protein change: p.Glu755Asp; replaces glutamic acid 755 with aspartic acid.
Molecular consequence: missense variant. On other transcripts: non-coding transcript variant (6).
Genome position (GRCh38, 1-based): chr14:95,108,495, C>A on the plus strand (G>T on the coding strand, the complement: DICER1 is on the minus strand). VCF-style: chr14-95108495-C-A. GRCh37 (hg19) VCF-style: chr14-95574832-C-A.
Other names: c.2265G>T, p.Glu755Asp (NM_001195573.1, NM_001271282.3, NM_001291628.2 and 12 more transcripts); c.1983G>T, p.Glu661Asp (NM_001395686.1); c.1860G>T, p.Glu620Asp (NM_001395687.1, NM_001395688.1, NM_001395689.1 and 2 more transcripts); c.1698G>T, p.Glu566Asp (NM_001395691.1); c.582G>T, p.Glu194Asp (NM_001395697.1); short protein forms E194D, E566D, E620D, E755D, E661D.
Identifiers: ClinVar variation 3839997 (VCV003839997.1).

ClinVar aggregate classification (germline): Uncertain significance (1 of 4 stars; one submission).

Conditions:
Hereditary cancer-predisposing syndrome. Also called: Hereditary neoplastic syndrome; Neoplastic Syndromes, Hereditary; Tumor predisposition; Hereditary Cancer Syndrome. Identifiers: Orphanet 140162, MedGen C0027672, MeSH D009386, MONDO:0015356.

Submission:

Ambry Genetics
Classification: Uncertain significance for Hereditary cancer-predisposing syndrome. Last evaluated: 2024-12-26. Review status: criteria provided, single submitter. Criteria: Ambry Variant Classification Scheme 2023. Collection method: clinical testing. Allele origin: germline.
Comment: The p.E755D variant (also known as c.2265G>T), located in coding exon 14 of the DICER1 gene, results from a G to T substitution at nucleotide position 2265. The glutamic acid at codon 755 is replaced by aspartic acid, an amino acid with highly similar properties. This amino acid position is conserved. In addition, this alteration is predicted to be tolerated by in silico analysis. Based on the available evidence, the clinical significance of this variant remains unclear.